The following is an entry in ClinVar:

NM_005670.4(EPM2A):c.560C>T (p.Thr187Ile)

Gene: EPM2A (EPM2A glucan phosphatase, laforin; minus strand). Cytogenetic location: 6q24.3.
Variant type: single nucleotide variant.
Coding change: c.560C>T on transcript NM_005670.4 (MANE Select); coding-DNA position 560, C replaced by T.
Protein change: p.Thr187Ile; replaces threonine 187 with isoleucine.
Molecular consequence: missense variant. On other transcripts: intron variant (1).
Genome position (GRCh38, 1-based): chr6:145,635,403, G>A on the plus strand (C>T on the coding strand, the complement: EPM2A is on the minus strand). VCF-style: chr6-145635403-G-A. GRCh37 (hg19) VCF-style: chr6-145956539-G-A.
Other names: NM_005670.4(EPM2A):c.560C>T; p.Thr187Ile; c.560C>T, p.Thr187Ile (NM_001018041.2, NM_001368130.1); c.146C>T, p.Thr49Ile (NM_001360064.2, NM_001360071.2, NM_001368131.1); c.98C>T, p.Thr33Ile (NM_001368129.2, NM_001368132.1); c.477-7710C>T (NM_001360057.2); short protein forms T187I, T49I, T33I.
Identifiers: ClinVar variation 802281 (VCV000802281.8), dbSNP rs1582935082, ClinGen allele CA366191421.

ClinVar aggregate classification (germline): Conflicting classifications of pathogenicity. Review status: criteria provided, conflicting classifications (1 of 4 stars). 3 submissions from 3 submitters: Likely pathogenic (1); Uncertain significance (2). Last evaluated 2025-01-06.

Conditions:
Lafora disease. Also called: Epilepsy progressive myoclonic 2; Progressive Myoclonus Epilepsy, Lafora Type. Identifiers: Orphanet 501, MedGen C0751783, MONDO:0009697.
Myoclonic epilepsy of Lafora 1 (MELF1). Also called: LAFORA DISEASE 1; Epilepsy, progressive myoclonic 2A (Lafora); EPM2A-Related Lafora Disease; EPILEPSY, PROGRESSIVE MYOCLONIC, 2A. Identifiers: MedGen CN377204, MONDO:0958199, OMIM 254780.
Progressive myoclonic epilepsy. Also called: Progressive myoclonus epilepsy; Familial progressive myoclonic epilepsy; Myoclonus epilepsy; Myoclonic Epilepsies, Progressive. Identifiers: Orphanet 308, Orphanet 98261, MedGen C0751778, MONDO:0020074.

Allele frequency attached by ClinVar (database versions not stated): gnomAD exomes below 0.00001.
gnomAD v4.1: 1 of 1,614,088 alleles (0.000062%); highest among the groups gnomAD compares: Non-Finnish European, 0.000085%; no homozygotes.

Submissions (3):

Broad Center for Mendelian Genomics, Broad Institute of MIT and Harvard
Classification: Uncertain significance for Lafora disease. Last evaluated: 2025-01-06. Review status: criteria provided, single submitter. Criteria: ACMG Guidelines, 2015. Collection method: curation. Allele origin: germline. Inheritance: Autosomal recessive inheritance.
Comment: The p.Thr187Ile variant in EPM2A has not been previously reported in the literature in individuals with Lafora disease, but has been identified in 0.00009% (1/1111924) of European (non-Finnish) chromosomes by the Genome Aggregation Database (gnomAD; dbSNP rs1582935082). Although this variant has been seen in the general population in a heterozygous state, its frequency is low enough to be consistent with a recessive carrier frequency. This variant has also been reported in ClinVar (Variation ID: 802281) and has been interpreted as likely pathogenic by Mendelics and a variant of uncertain significance by Invitae. Computational prediction tools and conservation analyses suggest that this variant may impact the protein, though this information is not predictive enough to determine pathogenicity. In summary, the clinical significance of the p.Thr187Ile variant is uncertain. ACMG/AMP Criteria applied: PP3, PM2_supporting (Richards 2015).

Labcorp Genetics (formerly Invitae), Labcorp
Classification: Uncertain significance for Progressive myoclonic epilepsy. Last evaluated: 2022-03-15. Review status: criteria provided, single submitter. Criteria: Invitae Variant Classification Sherloc (09022015). Collection method: clinical testing. Allele origin: germline.
Comment: Algorithms developed to predict the effect of missense changes on protein structure and function (SIFT, PolyPhen-2, Align-GVGD) all suggest that this variant is likely to be disruptive. ClinVar contains an entry for this variant (Variation ID: 802281). This variant has not been reported in the literature in individuals affected with EPM2A-related conditions. This variant is not present in population databases (gnomAD no frequency). This sequence change replaces threonine, which is neutral and polar, with isoleucine, which is neutral and non-polar, at codon 187 of the EPM2A protein (p.Thr187Ile). In summary, the available evidence is currently insufficient to determine the role of this variant in disease. Therefore, it has been classified as a Variant of Uncertain Significance.

Mendelics
Classification: Likely pathogenic for Myoclonic epilepsy of Lafora 1. Last evaluated: 2019-05-28. Review status: criteria provided, single submitter. Criteria: Mendelics Assertion Criteria 2017. Collection method: clinical testing. Allele origin: unknown.
Comment: Variant with GnomAD 4.1.1 frequency of 6.195e-7 (no homozygotes). In-silico predictors indicate pathogenicity (CADD, REVEL, PolyPhen). In trans state with another pathogenic allele.